The following is an entry in ClinVar:

NM_012186.3(FOXE3):c.617C>A (p.Ala206Asp)

Genes: FOXE3 (forkhead box E3; plus strand), LINC01389 (long independently transcribed non-coding RNA 1389; minus strand). Cytogenetic location: 1p33.
Variant type: single nucleotide variant.
Coding change: c.617C>A on transcript NM_012186.3 (MANE Select); coding-DNA position 617, C replaced by A.
Protein change: p.Ala206Asp; replaces alanine 206 with aspartic acid.
Molecular consequence: missense variant.
Genome position (GRCh38, 1-based): chr1:47,416,932, C>A. VCF-style: chr1-47416932-C-A. GRCh37 (hg19) VCF-style: chr1-47882604-C-A.
Other names: short protein forms A206D.
Identifiers: ClinVar variation 1254675 (VCV001254675.3), dbSNP rs1011363716, ClinGen allele CA22069146.
Genomic context (GRCh38, chr1:47,416,932, plus strand): 5'-TCCCCTACGCGCCCTACGCGCCCGCGCCCGGCCCCGCGCTGCTGGTGCCGCCGCCTTCTG[C>A]CGGACCGGGCCCCTCGCCGCCCGCGCGTCTGTTCAGCGTCGACAGCCTGGTGAACCTGCA-3'
Protein context (NP_036318.1, residues 196-216): GPALLVPPPS[Ala206Asp]GPGPSPPARL

ClinVar aggregate classification (germline): Uncertain significance. Review status: criteria provided, multiple submitters, no conflicts (2 of 4 stars). 2 submissions from 2 submitters: Uncertain significance (2). Last evaluated 2025-12-26.

Conditions:
Anterior segment dysgenesis. Also called: Ocular anterior segment dysgenesis. Identifiers: Orphanet 88632, MedGen C1862839, MONDO:0019503, HP:0007700.
Congenital primary aphakia. Also called: Anterior segment dysgenesis 2, multiple subtypes; ANTERIOR SEGMENT DYSGENESIS 2. Identifiers: Orphanet 83461, MedGen C1853230, MONDO:0012456, OMIM 610256.

Allele frequency attached by ClinVar (database versions not stated): TOPMed below 0.00001; gnomAD 0.00001; gnomAD exomes 0.00002.
gnomAD v4.1: 6 of 1,322,794 alleles (0.00045%); highest among the groups gnomAD compares: Middle Eastern, 0.058%; no homozygotes.

Submissions (2):

Labcorp Genetics (formerly Invitae), Labcorp
Classification: Uncertain significance for Anterior segment dysgenesis; Congenital primary aphakia. Last evaluated: 2025-12-26. Review status: criteria provided, single submitter. Criteria: Invitae Variant Classification Sherloc (09022015). Collection method: clinical testing. Allele origin: germline.
Comment: This sequence change replaces alanine, which is neutral and non-polar, with aspartic acid, which is acidic and polar, at codon 206 of the FOXE3 protein (p.Ala206Asp). The frequency data for this variant in the population databases is considered unreliable, as metrics indicate poor data quality at this position in the gnomAD database. This variant has not been reported in the literature in individuals affected with FOXE3-related conditions. ClinVar contains an entry for this variant (Variation ID: 1254675). Invitae Evidence Modeling of protein sequence and biophysical properties (such as structural, functional, and spatial information, amino acid conservation, physicochemical variation, residue mobility, and thermodynamic stability) indicates that this missense variant is not expected to disrupt FOXE3 protein function with a negative predictive value of 80%. In summary, the available evidence is currently insufficient to determine the role of this variant in disease. Therefore, it has been classified as a Variant of Uncertain Significance.

GeneDx
Classification: Uncertain significance. Last evaluated: 2021-03-09. Review status: criteria provided, single submitter. Criteria: GeneDx Variant Classification Process June 2021. Collection method: clinical testing. Allele origin: germline. Affected: yes.
Comment: Not observed at a significant frequency in large population cohorts (Lek et al., 2016); In silico analysis supports that this missense variant does not alter protein structure/function; Has not been previously published as pathogenic or benign to our knowledge